The following is an entry in ClinVar:

NM_000104.4(CYP1B1):c.355G>T (p.Ala119Ser)

Gene: CYP1B1 (cytochrome P450 family 1 subfamily B member 1; minus strand). Cytogenetic location: 2p22.2.
Variant type: single nucleotide variant.
Coding change: c.355G>T on transcript NM_000104.4 (MANE Select); coding-DNA position 355, G replaced by T.
Protein change: p.Ala119Ser; replaces alanine 119 with serine.
Molecular consequence: missense variant.
Genome position (GRCh38, 1-based): chr2:38,075,034, C>A on the plus strand (G>T on the coding strand, the complement: CYP1B1 is on the minus strand). VCF-style: chr2-38075034-C-A. GRCh37 (hg19) VCF-style: chr2-38302177-C-A.
Other names: NM_000104.4(CYP1B1):c.355G>T; short protein forms A119S.
Identifiers: ClinVar variation 92437 (VCV000092437.23), dbSNP rs1056827, ClinGen allele CA145741.

ClinVar aggregate classification (germline): Benign. Review status: reviewed by expert panel (3 of 4 stars). 11 submissions from 10 submitters: Benign (1). 10 of the submissions do not count toward it. Last evaluated 2025-11-19.

Conditions:
Congenital glaucoma. Identifiers: MedGen C0020302, MONDO:0020366.
Anterior segment dysgenesis 6 (ASGD6). Also called: Anterior segment dysgenesis 6, multiple subtypes. Identifiers: MedGen C4310623, MONDO:0015016, OMIM 617315.
Glaucoma 3A. Also called: Glaucoma 3, primary congenital, A. Identifiers: Orphanet 98976, Orphanet 98977, MedGen C1856439, MONDO:0009277, OMIM 231300.
Glaucoma 3, primary infantile, B. Also called: GLC3 type B; Primary congenital glaucoma type 3B; Glaucoma primary congenita type 3B; GLC3B; GLAUCOMA, PRIMARY CONGENITAL, TYPE B. Identifiers: Orphanet 98976, MedGen C1832977, MONDO:0010968, OMIM 600975.
CYP1B1-related glaucoma with or without anterior segment dysgenesis. Identifiers: MedGen CN375931, MONDO:0800472.

Allele frequency attached by ClinVar (database versions not stated): gnomAD 0.35167 and 0.34767; 1000 Genomes Project 0.36242; 1000 Genomes Project 30x 0.36493; ExAC 0.41197; ESP Exome Variant Server 0.33653; TOPMed 0.34500; gnomAD exomes 0.29370 and 0.31887.
gnomAD v4.1: 475,157 of 1,588,118 alleles (30%); highest among the groups gnomAD compares: African/African-American, 48%; 73,925 homozygotes.

Submissions (11):

ClinGen Glaucoma Variant Curation Expert Panel
Classification: Benign for CYP1B1-related glaucoma with or without anterior segment dysgenesis. Last evaluated: 2025-11-19. Review status: reviewed by expert panel. Criteria: ClinGen CYP1B1 ACMG Specifications V1 Approved. Collection method: curation. Allele origin: germline. Inheritance: Autosomal recessive inheritance.
Comment: The c.355G>T variant in CYP1B1 is a missense variant predicted to cause substitution of Alanine by Serine at amino acid 119 (p.Ala119Ser). The highest minor allele frequency of this variant, in a genetic ancestry group of at least 2,000 alleles, was in the African/African American genetic ancestry group of gnomAD (v4.1) = 0.4805, which met the ≥ 0.05 threshold set for BA1 (35944 alleles out of 74804, meeting the threshold of ≥ 5 observed alleles). The REVEL score = 0.095, which was within the 0.017-0.183 range for BP4_Moderate and this variant was not predicted to affect splicing, as assessed with SpliceAI (≤ 0.1), suggesting that the variant does not impact CYP1B1 function. PS3_Supporting was not applied as the assay reported in PMID: 10910054 did not meet the OddsPath threshold (> 2.1). In summary, this variant was classified as benign (BA1 is a stand-alone criterion for a benign level of pathogenicity) for CYP1B1- related glaucoma with or without anterior segment dysgenesis (ASD) based on the ACMG/AMP criteria met, as specified by the ClinGen Glaucoma VCEP (v1.0, 06.11.2025): BA1, BP4_Moderate.

Labcorp Genetics (formerly Invitae), Labcorp
Classification: Benign for Congenital glaucoma. Last evaluated: 2026-02-04. Review status: criteria provided, single submitter. Criteria: Invitae Variant Classification Sherloc (09022015). Collection method: clinical testing. Allele origin: germline. Not counted in ClinVar's aggregate classification.

Fulgent Genetics
Classification: Benign for Glaucoma 3A; Glaucoma 3, primary infantile, B; Anterior segment dysgenesis 6. Last evaluated: 2022-04-28. Review status: criteria provided, single submitter. Criteria: ACMG Guidelines, 2015. Collection method: clinical testing. Allele origin: unknown. Not counted in ClinVar's aggregate classification.

Women's Health and Genetics/Laboratory Corporation of America, LabCorp
Classification: Likely benign. Last evaluated: 2021-12-03. Review status: criteria provided, single submitter. Criteria: LabCorp Variant Classification Summary - May 2015. Collection method: clinical testing. Allele origin: germline. Not counted in ClinVar's aggregate classification.

Genome-Nilou Lab
Classification: Benign for Anterior segment dysgenesis 6. Last evaluated: 2021-07-30. Review status: criteria provided, single submitter. Criteria: ACMG Guidelines, 2015. Collection method: clinical testing. Allele origin: germline. Affected: no. Not counted in ClinVar's aggregate classification.

Genome-Nilou Lab
Classification: Benign for Glaucoma 3A. Last evaluated: 2021-07-30. Review status: criteria provided, single submitter. Criteria: ACMG Guidelines, 2015. Collection method: clinical testing. Allele origin: germline. Affected: no. Not counted in ClinVar's aggregate classification.

Illumina Laboratory Services, Illumina
Classification: Benign for Glaucoma 3A. Last evaluated: 2017-04-27. Review status: criteria provided, single submitter. Criteria: ICSL Variant Classification Criteria 13 December 2019. Collection method: clinical testing. Allele origin: germline. Not counted in ClinVar's aggregate classification.
Comment: This variant was observed as part of a predisposition screen in an ostensibly healthy population. A literature search was performed for the gene, cDNA change, and amino acid change (where applicable). Publications were found based on this search. The evidence from the literature, in combination with allele frequency data from public databases where available, was sufficient to rule this variant out of causing disease. Therefore, this variant is classified as benign.

GeneDx
Classification: Benign. Last evaluated: 2015-03-03. Review status: criteria provided, single submitter. Criteria: GeneDx Variant Classification Process June 2021. Collection method: clinical testing. Allele origin: germline. Affected: yes. Not counted in ClinVar's aggregate classification.
Comment: This variant is associated with the following publications: (PMID: 26681220, 25619313, 26283052, 10739169, 18575334, 23861929, 18573508, 11854439, 22177211, 19820397, 24591815, 19383894, 15958554)

Eurofins Ntd Llc (ga)
Classification: Benign. Last evaluated: 2013-08-14. Review status: criteria provided, single submitter. Criteria: EGL Classification Definitions 2015. Collection method: clinical testing. Allele origin: germline. Observed: 4 variant alleles, 2 heterozygotes, 2 homozygotes. Not counted in ClinVar's aggregate classification.

Breakthrough Genomics
Classification: Likely benign. Review status: criteria provided, single submitter. Criteria: ACMG Guidelines, 2015. Collection method: not provided. Allele origin: germline. Inheritance: Autosomal recessive inheritance. Affected: yes. Not counted in ClinVar's aggregate classification.

PreventionGenetics, part of Exact Sciences
Classification: Benign. Review status: criteria provided, single submitter. Criteria: ACMG Guidelines, 2015. Collection method: clinical testing. Allele origin: germline. Not counted in ClinVar's aggregate classification.

Literature cited by the submitters: PubMed 10739169 (cited by Illumina Laboratory Services, Illumina); PubMed 16384942 (cited by Illumina Laboratory Services, Illumina).